The following is an entry in ClinVar:

NM_001127222.2(CACNA1A):c.2692G>A (p.Gly898Ser)

Gene: CACNA1A (calcium voltage-gated channel subunit alpha1 A; minus strand). Cytogenetic location: 19p13.13.
Variant type: single nucleotide variant.
Coding change: c.2692G>A on transcript NM_001127222.2 (MANE Select); coding-DNA position 2692, G replaced by A.
Protein change: p.Gly898Ser; replaces glycine 898 with serine.
Molecular consequence: missense variant.
Genome position (GRCh38, 1-based): chr19:13,298,941, C>T on the plus strand (G>A on the coding strand, the complement: CACNA1A is on the minus strand). VCF-style: chr19-13298941-C-T. GRCh37 (hg19) VCF-style: chr19-13409755-C-T.
Other names: p.Gly899Ser; c.2692G>A (NM_001127222.1); c.2704G>A, p.Gly902Ser (NM_000068.4, NM_023035.3); c.2695G>A, p.Gly899Ser (NM_001127221.2, NM_001174080.2); short protein forms G899S, G898S, G902S.
Identifiers: ClinVar variation 572781 (VCV000572781.20), dbSNP rs751726770, ClinGen allele CA9240500.
Genomic context (GRCh38, chr19:13,298,941, plus strand): 5'-CCTCCCAGAACCCGGGTTGCTCCAGGCTGCCCTCCCGGGCGTGGTGGTCCGACTCGCGGC[C>T]GTAGGGTCCCTCCCGGCTCAGCTCGGCCTCCTGGCTTCCCGCCCAGGGCCTCCGTGCGTC-3'
Protein context (NP_001120694.1, residues 888-908): EAELSREGPY[Gly898Ser]RESDHHAREG

ClinVar aggregate classification (germline): Conflicting classifications of pathogenicity. Review status: criteria provided, conflicting classifications (1 of 4 stars). 8 submissions from 8 submitters: Uncertain significance (3); Likely benign (4). 1 of the submissions does not count toward it. Last evaluated 2026-02-18.

Conditions:
Inborn genetic diseases. Identifiers: MedGen C0950123, MeSH D030342.
Migraine, familial hemiplegic, 1. Also called: MIGRAINE, FAMILIAL HEMIPLEGIC 1, WITH PROGRESSIVE CEREBELLAR ATAXIA. Identifiers: Orphanet 569, MedGen C1832884, MONDO:0020756, OMIM 141500, MONDO:0007714.
Episodic ataxia type 2 (EA2). Also called: ACETAZOLAMIDE-RESPONSIVE HEREDITARY PAROXYSMAL CEREBELLAR ATAXIA; CEREBELLAR ATAXIA, PAROXYSMAL, ACETAZOLAMIDE-RESPONSIVE; CEREBELLOPATHY, HEREDITARY PAROXYSMAL; EPISODIC ATAXIA, NYSTAGMUS-ASSOCIATED; ATAXIA, EPISODIC, WITH NYSTAGMUS; ATAXIA, FAMILIAL PAROXYSMAL. Identifiers: Orphanet 97, MedGen C1720416, MONDO:0007163, OMIM 108500.
Developmental and epileptic encephalopathy, 42 (DEE42A). Also called: DEVELOPMENTAL AND EPILEPTIC ENCEPHALOPATHY 42A; EPILEPTIC ENCEPHALOPATHY, EARLY INFANTILE, 42A; Epileptic encephalopathy, early infantile, 42. Identifiers: MedGen C4310716, MONDO:0014917, OMIM 617106.
Intellectual disability. Also called: Intellectual functioning disability; Intellectual developmental disorder; intellectual disabilities. Identifiers: MedGen C3714756, MeSH D008607, MONDO:0001071, HP:0001249.
CACNA1A-related disorder. Also called: CACNA1A-related condition.

Allele frequency attached by ClinVar (database versions not stated): ExAC 0.00001; gnomAD 0.00003 and 0.00004; gnomAD exomes 0.00004; TOPMed 0.00006.
gnomAD v4.1: 175 of 1,592,736 alleles (0.011%); highest among the groups gnomAD compares: Non-Finnish European, 0.014%; no homozygotes.

Submissions (8):

Women's Health and Genetics/Laboratory Corporation of America, LabCorp
Classification: Likely benign. Last evaluated: 2026-02-18. Review status: criteria provided, single submitter. Criteria: LabCorp Variant Classification Summary - May 2015. Collection method: clinical testing. Allele origin: germline.
Comment: Variant summary: CACNA1A c.2695G>A (p.Gly899Ser) results in a non-conservative amino acid change in the encoded protein sequence. Algorithms developed to predict the effect of missense changes on protein structure and function are either unavailable or do not agree on the potential impact of this missense change. The variant allele was found at a frequency of 0.00011 in 1592736 control chromosomes (i.e. 175 heterozygous individuals), suggesting the variant could be benign. To our knowledge, no occurrence of c.2695G>A in individuals affected with CACNA1A-related conditions and no experimental evidence demonstrating its impact on protein function have been reported. ClinVar contains an entry for this variant (Variation ID: 572781). Based on the evidence outlined above, the variant was classified as likely benign.

Mayo Clinic Laboratories, Mayo Clinic
Classification: Uncertain significance. Last evaluated: 2025-11-21. Review status: criteria provided, single submitter. Criteria: ACMG Guidelines, 2015. Collection method: clinical testing. Allele origin: germline. Observed: 1 variant allele.
Comment: BS2

Labcorp Genetics (formerly Invitae), Labcorp
Classification: Likely benign for Developmental and epileptic encephalopathy, 42; Episodic ataxia type 2. Last evaluated: 2025-11-10. Review status: criteria provided, single submitter. Criteria: Invitae Variant Classification Sherloc (09022015). Collection method: clinical testing. Allele origin: germline.

Institute of Human Genetics, University of Leipzig Medical Center
Classification: Uncertain significance for Migraine, familial hemiplegic, 1. Last evaluated: 2022-07-18. Review status: criteria provided, single submitter. Criteria: ACMG Guidelines, 2015. Collection method: clinical testing. Allele origin: unknown. Affected: yes.
Comment: _x000D_ Criteria applied: PP3, BS1

GeneDx
Classification: Likely benign. Last evaluated: 2020-07-29. Review status: criteria provided, single submitter. Criteria: GeneDx Variant Classification Process June 2021. Collection method: clinical testing. Allele origin: germline. Affected: yes.

Cambridge Genomics Laboratory, East Genomic Laboratory Hub, NHS Genomic Medicine Service
Classification: Uncertain significance for Intellectual disability. Last evaluated: 2020-04-29. Review status: criteria provided, single submitter. Criteria: ACGS Best Practice Guidelines for Variant Classification in Rare Disease 2020. Collection method: clinical testing. Allele origin: germline. Affected: yes. Observed: 1 variant allele.

Ambry Genetics
Classification: Likely benign for Inborn genetic diseases. Last evaluated: 2019-06-24. Review status: criteria provided, single submitter. Criteria: Ambry Variant Classification Scheme 2023. Collection method: clinical testing. Allele origin: germline.

PreventionGenetics, part of Exact Sciences
Classification: Likely benign for CACNA1A-related condition. Last evaluated: 2023-09-05. Review status: no assertion criteria provided. Collection method: clinical testing. Allele origin: germline. Not counted in ClinVar's aggregate classification.
Comment: This variant is classified as likely benign based on ACMG/AMP sequence variant interpretation guidelines (Richards et al. 2015 PMID: 25741868, with internal and published modifications).